The following is an entry in ClinVar:

ClinVar aggregate classification (germline): Uncertain significance (0 of 4 stars; one submission).

Conditions:
Autosomal recessive nonsyndromic hearing loss 3. Also called: NEUROSENSORY NONSYNDROMIC RECESSIVE DEAFNESS 3. Identifiers: Orphanet 90636, MedGen C1838263, MONDO:0010860, OMIM 600316.

Submission:

Department of Genetics, Dr. ALM PG Institute of Basic Medical Sciences
Classification: Uncertain significance for Autosomal recessive nonsyndromic hearing loss 3. Last evaluated: 2021-09-06. Review status: no assertion criteria provided. Collection method: research. Allele origin: unknown. Inheritance: Autosomal recessive inheritance. Affected: yes. Observed: 4 variant alleles.
Comment: MYO15A is an autosomal recessive gene. eventhough the variant is classified as VUS but the variant is seggregating in the family with hearing loss as phenotype

NM_016239.4(MYO15A):c.8305T>A (p.Trp2769Arg)

Gene: MYO15A (myosin XVA; plus strand). Cytogenetic location: 17p11.2.
Variant type: single nucleotide variant.
Coding change: c.8305T>A on transcript NM_016239.4 (MANE Select); coding-DNA position 8305, T replaced by A.
Protein change: p.Trp2769Arg; replaces tryptophan 2769 with arginine.
Molecular consequence: missense variant.
Genome position (GRCh38, 1-based): chr17:18,155,190, T>A. VCF-style: chr17-18155190-T-A. GRCh37 (hg19) VCF-style: chr17-18058504-T-A.
Other names: short protein forms W2769R.
Identifiers: ClinVar variation 3024459 (VCV003024459.1), dbSNP rs2545297592, ClinGen allele CA398626220.